The following is an entry in ClinVar:

ClinVar aggregate classification (germline): Likely benign (0 of 4 stars; one submission).

Conditions:
SUCLA2-related disorder. Also called: SUCLA2-related condition.

Submission:

PreventionGenetics, part of Exact Sciences
Classification: Likely benign for SUCLA2-related condition. Last evaluated: 2020-04-20. Review status: no assertion criteria provided. Collection method: clinical testing. Allele origin: germline.
Comment: This variant is classified as likely benign based on ACMG/AMP sequence variant interpretation guidelines (Richards et al. 2015 PMID: 25741868, with internal and published modifications).

NM_003850.3(SUCLA2):c.1029C>A (p.Ala343=)

Gene: SUCLA2 (succinate-CoA ligase ADP-forming subunit beta; minus strand). Cytogenetic location: 13q14.2.
Variant type: single nucleotide variant.
Coding change: c.1029C>A on transcript NM_003850.3 (MANE Select); coding-DNA position 1029, C replaced by A.
Protein change: p.Ala343=; no amino-acid change (alanine 343 retained).
Molecular consequence: synonymous variant.
Genome position (GRCh38, 1-based): chr13:47,954,218, G>T on the plus strand (C>A on the coding strand, the complement: SUCLA2 is on the minus strand). VCF-style: chr13-47954218-G-T. GRCh37 (hg19) VCF-style: chr13-48528353-G-T.
Identifiers: ClinVar variation 3044991 (VCV003044991.2), dbSNP rs1171689376, ClinGen allele CA483739586.